The following is an entry in ClinVar:

NM_002439.5(MSH3):c.2911T>A (p.Leu971Met)

Gene: MSH3 (mutS homolog 3; plus strand). Cytogenetic location: 5q14.1.
Variant type: single nucleotide variant.
Coding change: c.2911T>A on transcript NM_002439.5 (MANE Select); coding-DNA position 2911, T replaced by A.
Protein change: p.Leu971Met; replaces leucine 971 with methionine.
Molecular consequence: missense variant.
Genome position (GRCh38, 1-based): chr5:80,854,227, T>A. VCF-style: chr5-80854227-T-A. GRCh37 (hg19) VCF-style: chr5-80150046-T-A.
Other names: short protein forms L971M.
Identifiers: ClinVar variation 3296269 (VCV003296269.1).
Genomic context (GRCh38, chr5:80,854,227, plus strand): 5'-ACATTTATGGAAGAACTGACTGACACAGCAGAAATAATCAGAAAAGCAACATCACAGTCC[T>A]TGGTTATCTTGGATGAACTAGGAAGAGGGACGAGCACTCATGATGGAATTGCCATTGCCT-3'
Protein context (NP_002430.3, residues 961-981): EIIRKATSQS[Leu971Met]VILDELGRGT

ClinVar aggregate classification (germline): Uncertain significance (1 of 4 stars; one submission).

Conditions:
Hereditary cancer-predisposing syndrome. Also called: Tumor predisposition; Hereditary Cancer Syndrome; Hereditary neoplastic syndrome; Neoplastic Syndromes, Hereditary. Identifiers: Orphanet 140162, MedGen C0027672, MeSH D009386, MONDO:0015356.

Submission:

Ambry Genetics
Classification: Uncertain significance for Hereditary cancer-predisposing syndrome. Last evaluated: 2024-04-01. Review status: criteria provided, single submitter. Criteria: Ambry Variant Classification Scheme 2023. Collection method: clinical testing. Allele origin: germline.
Comment: The p.L971M variant (also known as c.2911T>A), located in coding exon 21 of the MSH3 gene, results from a T to A substitution at nucleotide position 2911. The leucine at codon 971 is replaced by methionine, an amino acid with highly similar properties. This amino acid position is conserved. In addition, this alteration is predicted to be deleterious by in silico analysis. Based on the available evidence, the clinical significance of this alteration remains unclear.